The following is an entry in ClinVar:

NM_001384140.1(PCDH15):c.733C>T (p.Arg245Ter)

Gene: PCDH15 (protocadherin related 15; minus strand). Cytogenetic location: 10q21.1.
Variant type: single nucleotide variant.
Coding change: c.733C>T on transcript NM_001384140.1 (MANE Select); coding-DNA position 733, C replaced by T.
Protein change: p.Arg245Ter; replaces arginine 245 with a stop codon.
Molecular consequence: nonsense.
Genome position (GRCh38, 1-based): chr10:54,317,414, G>A on the plus strand (C>T on the coding strand, the complement: PCDH15 is on the minus strand). VCF-style: chr10-54317414-G-A. GRCh37 (hg19) VCF-style: chr10-56077174-G-A.
Other names: NM_001384140.1(PCDH15):c.733C>T; c.748C>T, p.Arg250Ter (NM_001142763.2, NM_001142769.4, NM_001142771.2); c.733C>T, p.Arg245Ter (NM_001142764.2, NM_001142765.2, NM_001142766.2 and 7 more transcripts); c.622C>T, p.Arg208Ter (NM_001142767.2); c.667C>T, p.Arg223Ter (NM_001142768.2, NM_001142773.2, NM_001354404.2); short protein forms R245*, R208*, R223*, R250*.
Identifiers: ClinVar variation 4933 (VCV000004933.68), dbSNP rs111033260, ClinGen allele CA253343.

ClinVar aggregate classification (germline): Pathogenic. Review status: criteria provided, multiple submitters, no conflicts (2 of 4 stars). 28 submissions from 25 submitters: Pathogenic (17). 11 of the submissions do not count toward it. Last evaluated 2026-04-30.

Conditions:
PCDH15-related disorder. Also called: PCDH15-related disorders; PCDH15-related condition.
Rare genetic deafness. Identifiers: Orphanet 96210, MedGen C5680250.
Usher syndrome type 1D (USH1D). Also called: USHER SYNDROME, TYPE ID. Identifiers: Orphanet 231169, Orphanet 886, MedGen C1832845, MONDO:0010984, OMIM 601067.
Usher syndrome type 1F (USH1F). Also called: USHER SYNDROME, TYPE IF. Identifiers: Orphanet 231169, Orphanet 886, MedGen C1865885, MONDO:0011186, OMIM 602083.
Autosomal recessive nonsyndromic hearing loss 23. Identifiers: Orphanet 90636, MedGen C1836027, MONDO:0012293, OMIM 609533.
Usher syndrome type 1 (USH1). Also called: RETINITIS PIGMENTOSA AND CONGENITAL DEAFNESS. Identifiers: Orphanet 231169, Orphanet 886, MedGen C1568247, MONDO:0010168, OMIM 276900.
Usher syndrome type 1G. Also called: USHER SYNDROME, TYPE IG, MILD. Identifiers: Orphanet 231169, Orphanet 886, MedGen C1847089, MONDO:0011748, OMIM 606943.

Allele frequency attached by ClinVar (database versions not stated): gnomAD 0.00012; TOPMed 0.00011.
gnomAD v4.1: 199 of 1,613,722 alleles (0.012%); highest among the groups gnomAD compares: Admixed American, 0.017%; no homozygotes.

Submissions 1 to 13 of 28:

Laboratory of Molecular, Cellular and Translation Genetics in Otolaryngology/ Lim32-hcfmusp, University of Sao Paulo School of Medicine Clinics Hospital
Classification: Pathogenic for Usher syndrome type 1F. Last evaluated: 2026-04-30. Review status: criteria provided, single submitter. Criteria: ACMG Guidelines, 2015. Collection method: research. Allele origin: germline. Affected: yes.
Comment: NM_033056.4:c.733C>T:p.(Arg245*). This variant has been classified as pathogenic. It is a nonsense (loss-of-function) variant in PCDH15, a gene in which loss of function is an established disease mechanism (PVS1). It is rare in population databases (PM2_supporting). The variant has been repeatedly reported in trans with other pathogenic PCDH15 variants in individuals with autosomal recessive Usher syndrome (PM3). Overall, these findings support the causative role of this variant in the proband, most consistent with Usher syndrome type 1F as described in PMID: 42233699.

Greenwood Genetic Center Diagnostic Laboratories, Greenwood Genetic Center
Classification: Pathogenic for PCDH15-related disorder. Last evaluated: 2026-04-02. Review status: criteria provided, single submitter. Criteria: ACMG Guidelines, 2015. Collection method: clinical testing. Allele origin: germline. Affected: yes.
Comment: PVS1, PM2, PM3

Labcorp Genetics (formerly Invitae), Labcorp
Classification: Pathogenic. Last evaluated: 2026-01-11. Review status: criteria provided, single submitter. Criteria: Invitae Variant Classification Sherloc (09022015). Collection method: clinical testing. Allele origin: germline.
Comment: This sequence change creates a premature translational stop signal (p.Arg245*) in the PCDH15 gene. It is expected to result in an absent or disrupted protein product. Loss-of-function variants in PCDH15 are known to be pathogenic (PMID: 11398101, 11487575, 14570705). This variant is present in population databases (rs111033260, gnomAD 0.4%). This premature translational stop signal has been observed in individuals with Usher syndrome (PMID: 12711741, 22815625, 27460420). It is commonly reported in individuals of Ashkenazi Jewish ancestry (PMID: 12711741, 22815625, 27460420). ClinVar contains an entry for this variant (Variation ID: 4933). For these reasons, this variant has been classified as Pathogenic.

CeGaT Center for Human Genetics Tuebingen
Classification: Pathogenic. Last evaluated: 2025-09-01. Review status: criteria provided, single submitter. Criteria: CeGaT Center For Human Genetics Tuebingen Variant Classification Criteria Version 2. Collection method: clinical testing. Allele origin: germline. Affected: yes. Observed: 2 variant alleles.
Comment: PCDH15: PVS1, PM2, PM3

Natera, Inc.
Classification: Pathogenic for Usher syndrome type 1F. Last evaluated: 2025-09-01. Review status: criteria provided, single submitter. Criteria: Natera Variant Classification Schema (03/2026). Collection method: clinical testing. Allele origin: germline.
Comment: The c.733C>T variant in PCDH15 is a nonsense variant predicted to introduce a stop codon at amino acid 245. This variant is expected to result in nonsense mediated decay, truncation, or a dysfunctional protein product. This variant is rare in the general population with a frequency below the threshold expected for the associated phenotype(s). This variant has been observed in one or more individuals affected with the associated recessive disease, as either homozygous or compound heterozygous with a second variant (PMID: 25425308, 34751129). Given the available evidence, this variant is classified as Pathogenic.

PreventionGenetics, part of Exact Sciences
Classification: Pathogenic for PCDH15-related condition. Last evaluated: 2025-08-02. Review status: criteria provided, single submitter. Criteria: ACMG Guidelines, 2015. Collection method: clinical testing. Allele origin: germline.
Comment: The PCDH15 c.733C>T variant is predicted to result in premature protein termination (p.Arg245*). This variant has been reported to be causative for Usher syndrome and is one of the most common causative variants in PCDH15 in the Ashkenazi Jewish population with a frequency of 0.43% (Ben-Yosef et al. 2003. PubMed ID: 12711741; Perreault-Micale et al. 2014. PubMed ID: 25307757; Khalaileh et al. 2018. PubMed ID: 29490346; Table S2, Sharon et al. 2019. PubMed ID: 31456290). Nonsense variants in PCDH15 are expected to be pathogenic. This variant is interpreted as pathogenic.

Fulgent Genetics
Classification: Pathogenic for Usher syndrome type 1D; Usher syndrome type 1F; Autosomal recessive nonsyndromic hearing loss 23. Last evaluated: 2024-04-16. Review status: criteria provided, single submitter. Criteria: ACMG Guidelines, 2015. Collection method: clinical testing. Allele origin: germline.

Baylor Genetics
Classification: Pathogenic for Autosomal recessive nonsyndromic hearing loss 23. Last evaluated: 2024-03-27. Review status: criteria provided, single submitter. Criteria: ACMG Guidelines, 2015. Collection method: clinical testing. Allele origin: unknown.

Blueprint Genetics
Classification: Pathogenic for PCDH15-related disorders. Last evaluated: 2023-09-12. Review status: criteria provided, single submitter. Criteria: ACMG Guidelines, 2015. Collection method: clinical testing. Allele origin: germline. Affected: yes. Observed: 5 variant alleles.

Broad Center for Mendelian Genomics, Broad Institute of MIT and Harvard
Classification: Pathogenic for Usher syndrome type 1F. Last evaluated: 2023-01-24. Review status: criteria provided, single submitter. Criteria: ACMG Guidelines, 2015. Collection method: curation. Allele origin: germline. Inheritance: Autosomal recessive inheritance.
Comment: The p.Arg245Ter variant in PCDH15 has been reported in at least 10 individuals with Usher syndrome type 1F (PMID: 12711741, 29490346, 34416374), segregated with disease in 4 affected relatives from 2 families (PMID: 12711741), and has been identified in 0.4% (45/10358) of Ashkenazi Jewish chromosomes by the Genome Aggregation Database (gnomAD; dbSNP ID: rs111033260). This variant is a known founder in the Ashkenazi Jewish population, and although this variant has been seen in the general population in a heterozygous state, its frequency is low enough to be consistent with a recessive carrier frequency. This variant has also been reported in ClinVar (Variation ID#: 4933) and has been interpreted as pathogenic by multiple submitters. Of the many affected individuals, at least 2 of those were homozygotes, which increases the likelihood that the p.Arg245Ter variant is pathogenic (VariationID: 1185088; PMID: 12711741, 34416374). This nonsense variant leads to a premature termination codon at position 245, which is predicted to lead to a truncated or absent protein. Loss of function of the PCDH15 gene is an established disease mechanism in autosomal recessive Usher syndrome type 1F. In summary, this variant meets criteria to be classified as pathogenic for autosomal recessive Usher syndrome type 1F. ACMG/AMP Criteria applied: PVS1, PM3, PP1_strong (Richards 2015).

Revvity Omics, Revvity
Classification: Pathogenic. Last evaluated: 2023-01-13. Review status: criteria provided, single submitter. Criteria: ACMG Guidelines, 2015. Collection method: clinical testing. Allele origin: germline.

Institute of Medical Genetics and Applied Genomics, University Hospital Tübingen
Classification: Pathogenic. Last evaluated: 2021-02-01. Review status: criteria provided, single submitter. Criteria: ACMG Guidelines, 2015. Collection method: clinical testing. Allele origin: germline. Inheritance: Autosomal recessive inheritance. Affected: yes.

GeneDx
Classification: Pathogenic. Last evaluated: 2020-02-10. Review status: criteria provided, single submitter. Criteria: GeneDx Variant Classification Process June 2021. Collection method: clinical testing. Allele origin: germline. Affected: yes.
Comment: Nonsense variant predicted to result in protein truncation or nonsense mediated decay in a gene for which loss-of-function is a known mechanism of disease; This variant is associated with the following publications: (PMID: 20301442, 12711741, 15028842, 25525159, 25262649, 27460420, 29490346, 22815625, 30337596, 31456290)